The following is an entry in ClinVar:

ClinVar aggregate classification (germline): Uncertain significance. Review status: criteria provided, multiple submitters, no conflicts (2 of 4 stars). 3 submissions from 3 submitters: Uncertain significance (3). Last evaluated 2025-10-03.

Conditions:
Inborn genetic diseases. Identifiers: MedGen C0950123, MeSH D030342.
Dyskeratosis congenita, autosomal dominant 6 (DKCA6). Identifiers: Orphanet 3322, MedGen C4225284, MONDO:0014690, OMIM 616553.

Allele frequency attached by ClinVar (database versions not stated): gnomAD exomes 0.00003; TOPMed 0.00002; ExAC 0.00003.

Submissions (3):

Labcorp Genetics (formerly Invitae), Labcorp
Classification: Uncertain significance for Dyskeratosis congenita, autosomal dominant 6. Last evaluated: 2025-10-03. Review status: criteria provided, single submitter. Criteria: Invitae Variant Classification Sherloc (09022015). Collection method: clinical testing. Allele origin: germline.
Comment: This sequence change replaces leucine, which is neutral and non-polar, with arginine, which is basic and polar, at codon 60 of the ACD protein (p.Leu60Arg). This variant is present in population databases (rs753367228, gnomAD 0.006%). This variant has not been reported in the literature in individuals affected with ACD-related conditions. ClinVar contains an entry for this variant (Variation ID: 432482). An algorithm developed to predict the effect of missense changes on protein structure and function (PolyPhen-2) suggests that this variant is likely to be tolerated. In summary, the available evidence is currently insufficient to determine the role of this variant in disease. Therefore, it has been classified as a Variant of Uncertain Significance.

Ambry Genetics
Classification: Uncertain significance for Inborn genetic diseases. Last evaluated: 2021-09-13. Review status: criteria provided, single submitter. Criteria: Ambry Variant Classification Scheme 2023. Collection method: clinical testing. Allele origin: germline.
Comment: The p.L60R variant (also known as c.179T>G), located in coding exon 1 of the ACD gene, results from a T to G substitution at nucleotide position 179. The leucine at codon 60 is replaced by arginine, an amino acid with dissimilar properties. This amino acid position is conserved. In addition, the in silico prediction for this alteration is inconclusive. Since supporting evidence is limited at this time, the clinical significance of this alteration remains unclear.

GeneDx
Classification: Uncertain significance. Last evaluated: 2017-06-07. Review status: criteria provided, single submitter. Criteria: GeneDx Variant Classification (06012015). Collection method: clinical testing. Allele origin: germline. Affected: yes.
Comment: The L60R variant in the ACD gene has not been reported previously as a pathogenic variant, nor as a benign variant, to our knowledge. The L60R variant is observed in 1/11024 (0.0091%) alleles from individuals of Latino background in the ExAC dataset (Lek et al., 2016). The L60R variant is a non-conservative amino acid substitution, which is likely to impact secondary protein structure as these residues differ in polarity, charge, size and/or other properties. This substitution occurs at a position where amino acids with similar properties to Leucine are tolerated across species. In silico analysis is inconsistent in its predictions as to whether or not the variant is damaging to the protein structure/function. We interpret L60R as a variant of uncertain significance.

NC_000016.10:g.67660300A>C

Gene: ACD (ACD shelterin complex subunit and telomerase recruitment factor; minus strand). Cytogenetic location: 16q22.1.
Variant type: single nucleotide variant.
Genome position: GRCh38 VCF-style: chr16-67660300-A-C. GRCh37 (hg19) VCF-style: chr16-67694203-A-C.
Identifiers: ClinVar variation 432482 (VCV000432482.10), dbSNP rs753367228, ClinGen allele CA8114881.